The following is an entry in ClinVar:

NM_181458.4(PAX3):c.987_988del (p.His329fs)

Genes: PAX3 (paired box 3; minus strand), LOC126806529 (CDK7 strongly-dependent group 2 enhancer GRCh37_chr2:223084735-223085934; plus strand). Cytogenetic location: 2q36.1.
Variant type: Microsatellite.
Coding change: c.987_988del on transcript NM_181458.4 (MANE Select); coding-DNA positions 987 to 988, 2 bases deleted (CA; older notation c.987_988delCA).
Protein change: p.His329fs; shifts the reading frame from histidine 329.
Molecular consequence: frameshift variant.
Genome position (GRCh38, 1-based): chr2:222,220,325-222,220,326, TG deleted on the plus strand (CA on the coding strand, the reverse complement: PAX3 is on the minus strand); deleting any 2 consecutive bases within chr2:222,220,325-222,220,328 gives the same sequence; the c. name uses the placement nearest the transcript's 3' end. VCF-style (leftmost placement, unchanged base first): chr2-222220324-CTG-C. GRCh37 (hg19) VCF-style: chr2-223085043-CTG-C.
Other names: c.984_985del, p.His328fs (NM_001127366.3); c.987_988del, p.His329fs (NM_181457.4, NM_181459.4, NM_181460.4 and 1 more transcripts); c.987_988delCA (NM_181457.4); short protein forms H328fs, H329fs.
Identifiers: ClinVar variation 4688312 (VCV004688312.1).

ClinVar aggregate classification (germline): Pathogenic (1 of 4 stars; one submission).

Conditions:
Waardenburg syndrome type 1 (WS1). Also called: WAARDENBURG SYNDROME WITH DYSTOPIA CANTHORUM; Waardenburg Syndrome Type I. Identifiers: Orphanet 894, MedGen C1847800, MONDO:0008670, OMIM 193500.

Submission:

Women's Health and Genetics/Laboratory Corporation of America, LabCorp
Classification: Pathogenic for Waardenburg syndrome type 1. Last evaluated: 2025-12-15. Review status: criteria provided, single submitter. Criteria: LabCorp Variant Classification Summary - May 2015. Collection method: clinical testing. Allele origin: germline.
Comment: Variant summary: PAX3 NM_181458.4 c.987_988delCA (p.His329GlnfsX80) results in a premature termination codon, predicted to cause a truncation of the encoded protein or absence of the protein due to nonsense mediated decay, which are commonly known mechanisms for disease. This variant is also annotated as PAX2 NM_181457.4 c.987_988delCA (p.His329GlnfsX80), and is not predicted to undergo nonsense mediated decay in this transcript. The variant was absent in 251356 control chromosomes. To our knowledge, no occurrence of c.987_988delCA in individuals affected with PAX3-related conditions and no experimental evidence demonstrating its impact on protein function have been reported. No submitters have cited clinical-significance assessments for this variant to ClinVar. Based on the evidence outlined above, the variant was classified as pathogenic.